The following is an entry in ClinVar:

NM_201384.3(PLEC):c.4575C>T (p.Ala1525=)

Gene: PLEC (plectin; minus strand). Cytogenetic location: 8q24.3.
Variant type: single nucleotide variant.
Coding change: c.4575C>T on transcript NM_201384.3 (MANE Select); coding-DNA position 4575, C replaced by T.
Protein change: p.Ala1525=; no amino-acid change (alanine 1525 retained).
Molecular consequence: synonymous variant.
Genome position (GRCh38, 1-based): chr8:143,925,354, G>A on the plus strand (C>T on the coding strand, the complement: PLEC is on the minus strand). VCF-style: chr8-143925354-G-A. GRCh37 (hg19) VCF-style: chr8-144999522-G-A.
Other names: c.4656C>T, p.Ala1552= (NM_000445.5); c.4533C>T, p.Ala1511= (NM_201378.4); c.4509C>T, p.Ala1503= (NM_201379.3); c.4986C>T, p.Ala1662= (NM_201380.4); c.4479C>T, p.Ala1493= (NM_201381.3); c.4575C>T, p.Ala1525= (NM_201382.4); c.4587C>T, p.Ala1529= (NM_201383.3).
Identifiers: ClinVar variation 705429 (VCV000705429.8), dbSNP rs782624380, ClinGen allele CA4926616.

ClinVar aggregate classification (germline): Likely benign. Review status: criteria provided, multiple submitters, no conflicts (2 of 4 stars). 2 submissions from 2 submitters: Likely benign (2). Last evaluated 2026-08-08.

Conditions:
PLEC-related disorder. Also called: PLEC-related disorders; PLEC-related condition.
Epidermolysis bullosa simplex with nail dystrophy (EBS5D). Identifiers: MedGen C4225309, MONDO:0014661, OMIM 616487.
Epidermolysis bullosa simplex 5B, with muscular dystrophy (EBS5B). Also called: Epidermolysis bullosa simplex with muscular dystrophy; EPIDERMOLYSIS BULLOSA SIMPLEX AND LIMB-GIRDLE MUSCULAR DYSTROPHY. Identifiers: Orphanet 257, MedGen C2931072, MONDO:0009181, OMIM 226670.
Autosomal recessive limb-girdle muscular dystrophy type 2Q (LGMDR17). Also called: MUSCULAR DYSTROPHY, LIMB-GIRDLE, AUTOSOMAL RECESSIVE 17. Identifiers: Orphanet 254361, MedGen C3150989, MONDO:0013390, OMIM 613723.
Epidermolysis bullosa simplex 5C, with pyloric atresia (EBS5C). Also called: PLEC-Related Epidermolysis Bullosa with Pyloric Atresia; Epidermolysis bullosa simplex with pyloric atresia; PLEC1-Related Epidermolysis Bullosa with Pyloric Atresia. Identifiers: Orphanet 158684, MedGen C2677349, MONDO:0012807, OMIM 612138.
Epidermolysis bullosa simplex, Ogna type (EBS5A). Also called: Pidermolysis bullosa simplex 5A, Ogna type; EPIDERMOLYSIS BULLOSA SIMPLEX 5A, OGNA TYPE. Identifiers: Orphanet 79401, MedGen C0432317, MONDO:0007555, OMIM 131950.

Allele frequency attached by ClinVar (database versions not stated): TOPMed 0.00003; gnomAD 0.00006; 1000 Genomes Project 30x 0.00016; ExAC 0.00003.
gnomAD v4.1: 41 of 1,551,150 alleles (0.0026%); highest among the groups gnomAD compares: Middle Eastern, 0.02%; no homozygotes.

Submissions (2):

PreventionGenetics, part of Exact Sciences
Classification: Likely benign for PLEC-related condition. Last evaluated: 2026-08-08. Review status: criteria provided, single submitter. Criteria: ACMG Guidelines, 2015. Collection method: clinical testing. Allele origin: germline.
Comment: This variant is classified as likely benign based on ACMG/AMP sequence variant interpretation guidelines (Richards et al. 2015 PMID: 25741868, with internal and published modifications).

Labcorp Genetics (formerly Invitae), Labcorp
Classification: Likely benign for Autosomal recessive limb-girdle muscular dystrophy type 2Q; Epidermolysis bullosa simplex, Ogna type; Epidermolysis bullosa simplex with nail dystrophy; Epidermolysis bullosa simplex 5C, with pyloric atresia; Epidermolysis bullosa simplex 5B, with muscular dystrophy. Last evaluated: 2025-10-08. Review status: criteria provided, single submitter. Criteria: Invitae Variant Classification Sherloc (09022015). Collection method: clinical testing. Allele origin: germline.